The following is an entry in ClinVar:

ClinVar aggregate classification (germline): Uncertain significance (1 of 4 stars; one submission).

Conditions:
Werner syndrome (WRN). Identifiers: Orphanet 902, MedGen C0043119, MONDO:0010196, OMIM 277700.

Submission:

Labcorp Genetics (formerly Invitae), Labcorp
Classification: Uncertain significance for Werner syndrome. Last evaluated: 2024-05-21. Review status: criteria provided, single submitter. Criteria: Invitae Variant Classification Sherloc (09022015). Collection method: clinical testing. Allele origin: germline.
Comment: This sequence change replaces leucine, which is neutral and non-polar, with valine, which is neutral and non-polar, at codon 789 of the WRN protein (p.Leu789Val). This variant is not present in population databases (gnomAD no frequency). This variant has not been reported in the literature in individuals affected with WRN-related conditions. ClinVar contains an entry for this variant (Variation ID: 1496989). Algorithms developed to predict the effect of missense changes on protein structure and function output the following: SIFT: "Not Available"; PolyPhen-2: "Benign"; Align-GVGD: "Not Available". The valine amino acid residue is found in multiple mammalian species, which suggests that this missense change does not adversely affect protein function. In summary, the available evidence is currently insufficient to determine the role of this variant in disease. Therefore, it has been classified as a Variant of Uncertain Significance.

NM_000553.6(WRN):c.2365C>G (p.Leu789Val)

Gene: WRN (WRN RecQ like helicase; plus strand). Cytogenetic location: 8p12.
Variant type: single nucleotide variant.
Coding change: c.2365C>G on transcript NM_000553.6 (MANE Select); coding-DNA position 2365, C replaced by G.
Protein change: p.Leu789Val; replaces leucine 789 with valine.
Molecular consequence: missense variant.
Genome position (GRCh38, 1-based): chr8:31,116,445, C>G. VCF-style: chr8-31116445-C-G. GRCh37 (hg19) VCF-style: chr8-30973961-C-G.
Other names: short protein forms L789V.
Identifiers: ClinVar variation 1496989 (VCV001496989.8), dbSNP rs2130305595, ClinGen allele CA370913674.